The following is an entry in ClinVar:

NC_000001.10:g.(?_12071543)_(12071632_?)dup

Gene: MFN2 (mitofusin 2; plus strand). Cytogenetic location: 1p36.22.
Variant type: Duplication.
Identifiers: ClinVar variation 1401182 (VCV001401182.4).

ClinVar aggregate classification (germline): Uncertain significance (1 of 4 stars; one submission).

Conditions:
Charcot-Marie-Tooth disease type 2. Also called: Charcot-Marie-Tooth type 2. Identifiers: Orphanet 64746, MedGen C0270914, MONDO:0018993.

Submission:

Labcorp Genetics (formerly Invitae), Labcorp
Classification: Uncertain significance for Charcot-Marie-Tooth disease type 2. Last evaluated: 2021-01-02. Review status: criteria provided, single submitter. Criteria: Invitae Variant Classification Sherloc (09022015). Collection method: clinical testing. Allele origin: germline.
Comment: In summary, the available evidence is currently insufficient to determine the role of this variant in disease. Therefore, it has been classified as a Variant of Uncertain Significance. This variant has not been reported in the literature in individuals with MFN2-related conditions. This variant results in a copy number gain of the genomic region encompassing exon(s) 19 of the MFN2 gene. The 5' boundary is likely confined to intron 18. The 3' end of this event is unknown as it extends beyond the assayed region for this gene and therefore may encompass additional genes. As the precise location of this event is unknown, it may be in tandem or it may be located elsewhere in the genome.